The following is an entry in ClinVar:

ClinVar aggregate classification (germline): Likely benign. Review status: criteria provided, multiple submitters, no conflicts (2 of 4 stars). 4 submissions from 4 submitters: Likely benign (4). Last evaluated 2024-10-15.

Conditions:
KBG syndrome (KBGS). Also called: ANKRD11-Related KBG Syndrome. Identifiers: Orphanet 2332, MedGen C0220687, MONDO:0007846, OMIM 148050.

Allele frequency attached by ClinVar (database versions not stated): gnomAD 0.00001; TOPMed 0.00005; gnomAD exomes 0.00006 and 0.00012; ESP Exome Variant Server 0.00008; ExAC 0.00009; 1000 Genomes Project 30x 0.00016; 1000 Genomes Project 0.00020.
gnomAD v4.1: 171 of 1,614,030 alleles (0.011%); highest among the groups gnomAD compares: South Asian, 0.023%; 1 homozygote.

Submissions (4):

Labcorp Genetics (formerly Invitae), Labcorp
Classification: Likely benign for KBG syndrome. Last evaluated: 2024-10-15. Review status: criteria provided, single submitter. Criteria: Invitae Variant Classification Sherloc (09022015). Collection method: clinical testing. Allele origin: germline.

Blueprint Genetics
Classification: Likely benign. Last evaluated: 2024-09-17. Review status: criteria provided, single submitter. Criteria: ACMG Guidelines, 2015. Collection method: clinical testing. Allele origin: germline.

CeGaT Center for Human Genetics Tuebingen
Classification: Likely benign. Last evaluated: 2023-10-01. Review status: criteria provided, single submitter. Criteria: CeGaT Center For Human Genetics Tuebingen Variant Classification Criteria Version 2. Collection method: clinical testing. Allele origin: germline. Affected: yes. Observed: 5 variant alleles.
Comment: ANKRD11: BP4, BP7

GeneDx
Classification: Likely benign. Last evaluated: 2021-05-07. Review status: criteria provided, single submitter. Criteria: GeneDx Variant Classification Process June 2021. Collection method: clinical testing. Allele origin: germline. Affected: yes.

NM_013275.6(ANKRD11):c.7437C>T (p.Asp2479=)

Gene: ANKRD11 (ankyrin repeat domain 11; minus strand). Cytogenetic location: 16q24.3.
Variant type: single nucleotide variant.
Coding change: c.7437C>T on transcript NM_013275.6 (MANE Select); coding-DNA position 7437, C replaced by T.
Protein change: p.Asp2479=; no amino-acid change (aspartic acid 2479 retained).
Molecular consequence: synonymous variant.
Genome position (GRCh38, 1-based): chr16:89,279,105, G>A on the plus strand (C>T on the coding strand, the complement: ANKRD11 is on the minus strand). VCF-style: chr16-89279105-G-A. GRCh37 (hg19) VCF-style: chr16-89345513-G-A.
Other names: c.7437C>T, p.Asp2479= (NM_001256182.2, NM_001256183.2).
Identifiers: ClinVar variation 808147 (VCV000808147.50), dbSNP rs148628471, ClinGen allele CA8241235.